The following is an entry in ClinVar:

ClinVar aggregate classification (germline): not provided (0 of 4 stars; one submission).

Submission:

ITMI
No classification provided. Condition: AllHighlyPenetrant. Last evaluated: 2013-09-19. Review status: no classification provided. Collection method: reference population. Allele origin: germline.
Comment: Please see associated publication for description of ethnicities

Literature cited by the submitters: PubMed 24728327.

NM_017617.5(NOTCH1):c.2981A>G (p.Asn994Ser)

Gene: NOTCH1 (notch receptor 1; minus strand). Cytogenetic location: 9q34.3.
Variant type: single nucleotide variant.
Coding change: c.2981A>G on transcript NM_017617.5 (MANE Select); coding-DNA position 2981, A replaced by G.
Protein change: p.Asn994Ser; replaces asparagine 994 with serine.
Molecular consequence: missense variant.
Genome position (GRCh38, 1-based): chr9:136,509,060, T>C on the plus strand (A>G on the coding strand, the complement: NOTCH1 is on the minus strand). VCF-style: chr9-136509060-T-C. GRCh37 (hg19) VCF-style: chr9-139403512-T-C.
Other names: c.2981A>G, p.Asn994Ser (LRG_1122t1); short protein forms N994S.
Identifiers: ClinVar variation 134922 (VCV000134922.1), dbSNP rs587778564, ClinGen allele CA161171.
Genomic context (GRCh38, chr9:136,509,060, plus strand): 5'-GTGAAGCCGGGTGGACACAGGCAGGTGAACGAGTTGATGCCGTCCACGCAGGTGCCACCG[T>C]TGAAGCAGGAGCTGCAAGGGGGTGGGCAGGCGGGGGCTGAGTGGAGGGCATTGGTGGGTC-3'
Protein context (NP_060087.3, residues 984-1004): TPDCTESSCF[Asn994Ser]GGTCVDGINS